The following is an entry in ClinVar:

NM_015001.3(SPEN):c.9730A>C (p.Thr3244Pro)

Gene: SPEN (spen family transcriptional repressor; plus strand). Cytogenetic location: 1p36.13.
Variant type: single nucleotide variant.
Coding change: c.9730A>C on transcript NM_015001.3 (MANE Select); coding-DNA position 9730, A replaced by C.
Protein change: p.Thr3244Pro; replaces threonine 3244 with proline.
Molecular consequence: missense variant.
Genome position (GRCh38, 1-based): chr1:15,935,970, A>C. VCF-style: chr1-15935970-A-C. GRCh37 (hg19) VCF-style: chr1-16262465-A-C.
Other names: short protein forms T3244P.
Identifiers: ClinVar variation 403485 (VCV000403485.7), dbSNP rs776474446, ClinGen allele CA620543.

ClinVar aggregate classification (germline): Benign. Review status: criteria provided, multiple submitters, no conflicts (2 of 4 stars). 3 submissions from 3 submitters: Benign (2). 1 of the submissions does not count toward it. Last evaluated 2016-03-29.

Conditions:
SPEN-related disorder. Also called: SPEN-related condition.

Submissions (3):

Laboratory for Molecular Medicine, Mass General Brigham Personalized Medicine
Classification: Benign. Last evaluated: 2016-03-29. Review status: criteria provided, single submitter. Criteria: LMM Criteria. Collection method: clinical testing. Allele origin: germline.
Comment: Variant identified in a genome or exome case(s) and assessed due to predicted null impact of the variant or pathogenic assertions in the literature or databases. Disclaimer: This variant has not undergone full assessment. The following are preliminary notes: Fails ExAC quality filter

Breakthrough Genomics
Classification: Benign. Review status: criteria provided, single submitter. Criteria: ACMG Guidelines, 2015. Collection method: not provided. Allele origin: germline. Inheritance: Autosomal dominant inheritance. Affected: yes.

PreventionGenetics, part of Exact Sciences
Classification: Benign for SPEN-related condition. Last evaluated: 2019-04-25. Review status: no assertion criteria provided. Collection method: clinical testing. Allele origin: germline. Not counted in ClinVar's aggregate classification.
Comment: This variant is classified as benign based on ACMG/AMP sequence variant interpretation guidelines (Richards et al. 2015 PMID: 25741868, with internal and published modifications).